The following is an entry in ClinVar:

ClinVar aggregate classification (germline): Uncertain significance (1 of 4 stars; one submission).

gnomAD v4.1: 10 of 1,211,091 alleles (0.00083%); highest among the groups gnomAD compares: Non-Finnish European, 0.0011%; no homozygotes.

Submission:

Ambry Genetics
Classification: Uncertain significance. Last evaluated: 2026-09-02. Review status: criteria provided, single submitter. Criteria: Ambry Variant Classification Scheme 2023. Collection method: clinical testing. Allele origin: germline.
Comment: The c.331T>C (p.C111R) alteration is located in exon 6 (coding exon 2) of the ZFX gene. This alteration results from a T to C substitution at nucleotide position 331, causing the cysteine (C) at amino acid position 111 to be replaced by an arginine (R). Based on data from gnomAD, the C allele has an overall frequency of 0.001% (2/183405) total alleles studied. The highest observed frequency was 0.002% (2/81848) of European (non-Finnish) alleles. Based on insufficient or conflicting evidence, the clinical significance of this alteration remains unclear.

NM_003410.4(ZFX):c.331T>C (p.Cys111Arg)

Gene: ZFX (zinc finger protein X-linked; plus strand). Cytogenetic location: Xp22.11.
Variant type: single nucleotide variant.
Coding change: c.331T>C on transcript NM_003410.4 (MANE Select); coding-DNA position 331, T replaced by C.
Protein change: p.Cys111Arg; replaces cysteine 111 with arginine.
Molecular consequence: missense variant. On other transcripts: intron variant (1).
Genome position (GRCh38, 1-based): chrX:24,179,455, T>C. VCF-style: chrX-24179455-T-C. GRCh37 (hg19) VCF-style: chrX-24197572-T-C.
Other names: c.331T>C, p.Cys111Arg (NM_001178084.2, NM_001178085.1, NM_001178095.2); c.448T>C, p.Cys150Arg (NM_001330327.2); c.-41-27871T>C (NM_001178086.2); short protein forms C150R, C111R.
Identifiers: ClinVar variation 5032130 (VCV005032130.1).
Genomic context (GRCh38, chrX:24,179,455, plus strand): 5'-GTCATCATTCCTGAGCAAGTGCTGGACTCAGATGTAACTGAAGAAGTTTCTTTAGCACAT[T>C]GCACAGTCCCAGATGATGTTTTAGCTTCTGACATTACTTCAGCCTCAATGTCTATGCCAG-3'
Protein context (NP_003401.2, residues 101-121): DVTEEVSLAH[Cys111Arg]TVPDDVLASD